The following is an entry in ClinVar:

ClinVar aggregate classification (germline): Uncertain significance (1 of 4 stars; one submission).

Conditions:
Cryopyrin associated periodic syndrome (CAPS). Identifiers: Orphanet 208650, MedGen C2316212, MONDO:0016168.

Submission:

Labcorp Genetics (formerly Invitae), Labcorp
Classification: Uncertain significance for Cryopyrin associated periodic syndrome. Last evaluated: 2022-09-23. Review status: criteria provided, single submitter. Criteria: Invitae Variant Classification Sherloc (09022015). Collection method: clinical testing. Allele origin: germline.
Comment: This variant, c.2993_3007dup, results in the insertion of 5 amino acid(s) of the NLRP3 protein (p.Asn1002_Leu1003insArgLeuLeuGlnAsn), but otherwise preserves the integrity of the reading frame. This variant is not present in population databases (gnomAD no frequency). This variant has not been reported in the literature in individuals affected with NLRP3-related conditions. In summary, the available evidence is currently insufficient to determine the role of this variant in disease. Therefore, it has been classified as a Variant of Uncertain Significance.

NM_001243133.2(NLRP3):c.2987_3001dup (p.Asn1000_Leu1001insArgLeuLeuGlnAsn)

Gene: NLRP3 (NLR family pyrin domain containing 3; plus strand). Cytogenetic location: 1q44.
Variant type: Duplication.
Coding change: c.2987_3001dup on transcript NM_001243133.2 (MANE Select); coding-DNA positions 2987 to 3001, 15 bases duplicated (GCCTCCTGCAGAACC).
Protein change: p.Asn1000_Leu1001insArgLeuLeuGlnAsn.
Molecular consequence: inframe insertion.
Genome position (GRCh38, 1-based): chr1:247,444,803-247,444,817, GCCTCCTGCAGAACC duplicated. VCF-style (leftmost placement, unchanged base first): chr1-247444802-T-TGCCTCCTGCAGAACC. GRCh37 (hg19) VCF-style: chr1-247608104-T-TGCCTCCTGCAGAACC.
Other names: c.2987_3001dup, p.Asn1000_Leu1001insArgLeuLeuGlnAsn (NM_001079821.3); c.2816_2830dup, p.Asn943_Leu944insArgLeuLeuGlnAsn (NM_001127461.3, NM_001127462.3); c.2993_3007dup, p.Asn1002_Leu1003insArgLeuLeuGlnAsn (NM_004895.5); c.2645_2659dup, p.Asn886_Leu887insArgLeuLeuGlnAsn (NM_183395.3).
Identifiers: ClinVar variation 2032263 (VCV002032263.4), dbSNP rs2527479496, ClinGen allele CA2580063578.